The following is an entry in ClinVar:

ClinVar aggregate classification (germline): Likely pathogenic (0 of 4 stars; one submission).

Conditions:
SF3B4-related disorder. Also called: SF3B4-related condition.

Submission:

PreventionGenetics, part of Exact Sciences
Classification: Likely pathogenic for SF3B4-related condition. Last evaluated: 2024-01-27. Review status: no assertion criteria provided. Collection method: clinical testing. Allele origin: germline.
Comment: The SF3B4 c.974_977dupGACC variant is predicted to result in a frameshift and premature protein termination (p.Pro327Thrfs*160). To our knowledge, this variant has not been reported in the literature or in a large population database, indicating this variant is rare. Frameshift variants in SF3B4 are expected to be pathogenic. This variant is interpreted as likely pathogenic.

NM_005850.5(SF3B4):c.974_977dup (p.Pro327fs)

Gene: SF3B4 (splicing factor 3b subunit 4; minus strand). Cytogenetic location: 1q21.2.
Variant type: Duplication.
Coding change: c.974_977dup on transcript NM_005850.5 (MANE Select); coding-DNA positions 974 to 977, 4 bases duplicated (GACC; older notation c.974_977dupGACC).
Protein change: p.Pro327fs; shifts the reading frame from proline 327.
Molecular consequence: frameshift variant.
Genome position (GRCh38, 1-based): chr1:149,923,951-149,923,954, GGTC duplicated on the plus strand (GACC on the coding strand, the reverse complement: SF3B4 is on the minus strand). VCF-style (leftmost placement, unchanged base first): chr1-149923950-G-GGGTC. GRCh37 (hg19) VCF-style: chr1-149895842-G-GGGTC.
Other names: short protein forms P327fs.
Identifiers: ClinVar variation 3061266 (VCV003061266.2), dbSNP rs2525112539, ClinGen allele CA2740090252.